The following is an entry in ClinVar:

ClinVar aggregate classification (germline): Likely benign (1 of 4 stars; one submission).

Allele frequency attached by ClinVar (database versions not stated): ExAC 0.00003; gnomAD exomes 0.00003; ESP Exome Variant Server 0.00009; TOPMed 0.00013; gnomAD 0.00014.
gnomAD v4.1: 62 of 1,550,744 alleles (0.004%); highest among the groups gnomAD compares: African/African-American, 0.033%; no homozygotes.

Submission:

CeGaT Center for Human Genetics Tuebingen
Classification: Likely benign. Last evaluated: 2024-04-01. Review status: criteria provided, single submitter. Criteria: CeGaT Center For Human Genetics Tuebingen Variant Classification Criteria Version 2. Collection method: clinical testing. Allele origin: germline. Affected: yes. Observed: 1 variant allele.
Comment: APC2: BP4, BP7

NM_005883.3(APC2):c.3033G>A (p.Ala1011=)

Gene: APC2 (APC regulator of Wnt signaling pathway 2; plus strand). Cytogenetic location: 19p13.3.
Variant type: single nucleotide variant.
Coding change: c.3033G>A on transcript NM_005883.3 (MANE Select); coding-DNA position 3033, G replaced by A.
Protein change: p.Ala1011=; no amino-acid change (alanine 1011 retained).
Molecular consequence: synonymous variant.
Genome position (GRCh38, 1-based): chr19:1,466,334, G>A. VCF-style: chr19-1466334-G-A. GRCh37 (hg19) VCF-style: chr19-1466333-G-A.
Other names: c.3030G>A, p.Ala1010= (NM_001351273.1).
Identifiers: ClinVar variation 3234264 (VCV003234264.20), dbSNP rs367731440, ClinGen allele CA9045605.